The following is an entry in ClinVar:

ClinVar aggregate classification (germline): Uncertain significance. Review status: criteria provided, multiple submitters, no conflicts (2 of 4 stars). 3 submissions from 3 submitters: Uncertain significance (3). Last evaluated 2026-02-25.

Allele frequency attached by ClinVar (database versions not stated): 1000 Genomes Project 0.00020; TOPMed 0.00005; 1000 Genomes Project 30x 0.00016; gnomAD exomes 0.00008.
gnomAD v4.1: 49 of 1,613,350 alleles (0.003%); highest among the groups gnomAD compares: Admixed American, 0.082%; no homozygotes.

Submissions (3):

GeneDx
Classification: Uncertain significance. Last evaluated: 2026-02-25. Review status: criteria provided, single submitter. Criteria: GeneDx Variant Classification Process June 2021. Collection method: clinical testing. Allele origin: germline.
Comment: In silico analysis suggests that this missense variant does not alter protein structure/function; This variant is predicted as benign in the published literature (PMID: 27019209); This variant is associated with the following publications: (PMID: 27019209)

Labcorp Genetics (formerly Invitae), Labcorp
Classification: Uncertain significance. Last evaluated: 2024-11-05. Review status: criteria provided, single submitter. Criteria: Invitae Variant Classification Sherloc (09022015). Collection method: clinical testing. Allele origin: germline.
Comment: This sequence change replaces lysine, which is basic and polar, with arginine, which is basic and polar, at codon 29 of the SLC45A2 protein (p.Lys29Arg). This variant is present in population databases (rs199882086, gnomAD 0.1%). This variant has not been reported in the literature in individuals affected with SLC45A2-related conditions. ClinVar contains an entry for this variant (Variation ID: 436758). Invitae Evidence Modeling of protein sequence and biophysical properties (such as structural, functional, and spatial information, amino acid conservation, physicochemical variation, residue mobility, and thermodynamic stability) indicates that this missense variant is not expected to disrupt SLC45A2 protein function with a negative predictive value of 80%. In summary, the available evidence is currently insufficient to determine the role of this variant in disease. Therefore, it has been classified as a Variant of Uncertain Significance.

Genetic Services Laboratory, University of Chicago
Classification: Uncertain significance. Last evaluated: 2016-02-03. Review status: criteria provided, single submitter. Criteria: ACMG Guidelines, 2015. Collection method: clinical testing. Allele origin: germline. Affected: no.

NM_016180.5(SLC45A2):c.86A>G (p.Lys29Arg)

Gene: SLC45A2 (solute carrier family 45 member 2; minus strand). Cytogenetic location: 5p13.2.
Variant type: single nucleotide variant.
Coding change: c.86A>G on transcript NM_016180.5 (MANE Select); coding-DNA position 86, A replaced by G.
Protein change: p.Lys29Arg; replaces lysine 29 with arginine.
Molecular consequence: missense variant.
Genome position (GRCh38, 1-based): chr5:33,984,498, T>C on the plus strand (A>G on the coding strand, the complement: SLC45A2 is on the minus strand). VCF-style: chr5-33984498-T-C. GRCh37 (hg19) VCF-style: chr5-33984603-T-C.
Other names: c.86A>G, p.Lys29Arg (NM_001012509.4, NM_001297417.4); short protein forms K29R.
Identifiers: ClinVar variation 436758 (VCV000436758.10), dbSNP rs199882086, ClinGen allele CA3225877.